The following is an entry in ClinVar:

NM_000520.6(HEXA):c.986+3A>G

Gene: HEXA (hexosaminidase subunit alpha; minus strand). Cytogenetic location: 15q23.
Variant type: single nucleotide variant.
Coding change: c.986+3A>G on transcript NM_000520.6 (MANE Select); 3 bases into the intron after coding-DNA position 986, A replaced by G.
Molecular consequence: intron variant.
Genome position (GRCh38, 1-based): chr15:72,349,076, T>C on the plus strand (A>G on the coding strand, the complement: HEXA is on the minus strand). VCF-style: chr15-72349076-T-C. GRCh37 (hg19) VCF-style: chr15-72641417-T-C.
Other names: c.1019+3A>G (NM_001318825.2); c.986+3A>G (NM_000520.5).
Identifiers: ClinVar variation 188929 (VCV000188929.27), dbSNP rs200926928, ClinGen allele CA274144.
Genomic context (GRCh38, chr15:72,349,076, plus strand): 5'-GCTAACTTCTATTCTGAGTAAGCAACTGATCAGGCCACAGTGGGAAGATCAAAGGGCTCA[T>C]ACCAGCAGGTGAAATCAACCTCATCTCCTCCAAGATGAAGATAAAAATCTGGGAAGACAG-3'

ClinVar aggregate classification (germline): Pathogenic/Likely pathogenic. Review status: criteria provided, multiple submitters, no conflicts (2 of 4 stars). 11 submissions from 11 submitters: Pathogenic (8); Likely pathogenic (1). 2 of the submissions do not count toward it. Last evaluated 2026-09-03.

Conditions:
HEXA-related disorder. Also called: HEXA-related condition.
HEXA-related disorders.
Tay-Sachs disease (TSD). Also called: HEXA Disorders; Hexosaminidase A Deficiency; GM2 gangliosidosis, type 1; Hexosaminidase alpha-subunit deficiency (variant B); Sphingolipidosis, Tay-Sachs; HEXA DEFICIENCY. Identifiers: Orphanet 845, MedGen C0039373, MONDO:0010100, OMIM 272800.

Allele frequency attached by ClinVar (database versions not stated): ExAC 0.00002; gnomAD exomes 0.00002 and 0.00003; TOPMed 0.00003; gnomAD 0.00004 and 0.00005; ESP Exome Variant Server 0.00008; 1000 Genomes Project 30x 0.00016; 1000 Genomes Project 0.00020.
gnomAD v4.1: 47 of 1,612,988 alleles (0.0029%); highest among the groups gnomAD compares: Non-Finnish European, 0.0038%; no homozygotes.

Submissions (11):

GeneDx
Classification: Pathogenic. Last evaluated: 2026-09-03. Review status: criteria provided, single submitter. Criteria: GeneDx Variant Classification Process June 2021. Collection method: clinical testing. Allele origin: germline.
Comment: RNA studies found this variant results in in-frame skipping of exon 8 (PMID: 7551830); Not observed at significant frequency in large population cohorts (gnomAD); In silico analysis supports a deleterious effect on splicing; This variant is associated with the following publications: (PMID: 23035047, 7551830, 31980526, 20100466, 24518553, 9150157, 29790872, 37597066, 33547378)

Natera, Inc.
Classification: Pathogenic for Tay-Sachs disease. Last evaluated: 2025-11-13. Review status: criteria provided, single submitter. Criteria: Natera Variant Classification Schema (03/2026). Collection method: clinical testing. Allele origin: germline.
Comment: The c.986+3A>G variant in HEXA is an intronic variant located outside the canonical splice sites. This variant is rare in the general population with a frequency below the threshold expected for the associated phenotype(s). This variant has been observed in one or more individuals affected with the associated recessive disease, as either homozygous or compound heterozygous with a second variant (PMID: 37597066, 33547378). Functional studies show that this variant may disrupt protein function (PMID: 7551830). Given the available evidence, this variant is classified as Pathogenic.

Otogenetics
Classification: Pathogenic for Tay-Sachs disease. Last evaluated: 2025-10-21. Review status: criteria provided, single submitter. Criteria: ACMG Guidelines, 2015. Collection method: clinical testing. Allele origin: germline.
Comment: PM2: Maximum gnomAD MAF of 0.0123% in African (AFR) subpopulation (<0.249% threshold); PM3_VeryStrong: Variant reported in trans with 3 pathogenic variants in 3 affected with Tay-Sachs disease (PMID: 7551830, 20100466, 23035047); PP3: In-silico models predict deleterious effect (MutationTaster = 0.95, SpliceAI = 0.59)

Labcorp Genetics (formerly Invitae), Labcorp
Classification: Pathogenic for Tay-Sachs disease. Last evaluated: 2025-09-16. Review status: criteria provided, single submitter. Criteria: Invitae Variant Classification Sherloc (09022015). Collection method: clinical testing. Allele origin: germline.
Comment: This sequence change falls in intron 8 of the HEXA gene. It does not directly change the encoded amino acid sequence of the HEXA protein. RNA analysis indicates that this variant induces altered splicing and may result in an absent or altered protein product. This variant is present in population databases (rs200926928, gnomAD 0.01%). This variant has been observed in individual(s) with Tay-Sachs disease (PMID: 7551830, 23035047, 24518553). In at least one individual the data is consistent with being in trans (on the opposite chromosome) from a pathogenic variant. ClinVar contains an entry for this variant (Variation ID: 188929). Variants that disrupt the consensus splice site are a relatively common cause of aberrant splicing (PMID: 17576681, 9536098). Studies have shown that this variant results in skipping of exon 8, and produces a non-functional protein and/or introduces a premature termination codon (PMID: 7551830). For these reasons, this variant has been classified as Pathogenic.

Laboratory for Molecular Medicine, Mass General Brigham Personalized Medicine
Classification: Pathogenic for Tay-Sachs disease. Last evaluated: 2023-09-12. Review status: criteria provided, single submitter. Criteria: ACMG Guidelines, 2015. Collection method: clinical testing. Allele origin: germline. Inheritance: Autosomal recessive inheritance.
Comment: The c.1019+3A>G variant in HEXA (also reported as c.986+3A>G in the literature) has been reported in the compound heterozygous state in at least 3 individuals with Tay-Sachs disease and in the heterozygous state in 1 individual where a second HEXA allele was not identified (Richard 1995 PMID: 7551830, Giraud 2010 PMID: 20100466, Saunders 2012 PMID: 23035047, Jamali 2014 PMID: 24518553). This variant has also been reported in by other clinical laboratories in ClinVar (Variation ID: 188929) and been identified in 0.007% (5/68032) of European chromosomes by gnomAD (v.3.1.2). This variant is located in the 3' splice region. Computational tools predict a splicing impact, and functional studies confirm skipping of exon 8 leading to a premature stop codon which is predicted to result in an abnormal or absent protein (Richard 1995 PMID: 7551830). Biallelic loss of function of the HEXA gene is an established disease mechanism in autosomal recessive Tay-Sachs disease. In summary, this variant meets criteria to be classified as pathogenic for autosomal recessive Tay-Sachs disease. ACMG/AMP Criteria applied: PVS1, PM3_Strong, PM2_Supporting.

Blueprint Genetics
Classification: Pathogenic for HEXA-related disorders. Last evaluated: 2021-10-13. Review status: criteria provided, single submitter. Criteria: ACMG Guidelines, 2015. Collection method: clinical testing. Allele origin: germline. Affected: yes. Observed: 2 variant alleles.

Women's Health and Genetics/Laboratory Corporation of America, LabCorp
Classification: Pathogenic for Tay-Sachs disease. Last evaluated: 2018-04-09. Review status: criteria provided, single submitter. Criteria: LabCorp Variant Classification Summary - May 2015. Collection method: clinical testing. Allele origin: germline.
Comment: Variant summary: HEXA c.986+3A>G alters a conserved nucleotide located close to a canonical splice site and therefore could affect mRNA splicing, leading to a significantly altered protein sequence. Several computational tools predict a significant impact on normal splicing: Four predict the variant weakens a 5' donor site. A publication, Richard_1995, functionally assessed the variant and found it to cause exon 8 to be deleted, which is located in the Glycoside hydrolase family 20, catalytic domain (via InterPro). The variant was observed with an allele frequency of 8.1e-06 in 246182 control chromosomes (gnomAD). This frequency is not higher than expected for a pathogenic variant in HEXA causing Tay-Sachs Disease (8.1e-06 vs 0.0014), allowing no conclusion about variant significance. The variant, c.986+3A>G, has been reported in the literature in individuals affected with Tay-Sachs Disease. These data indicate that the variant is likely to be associated with disease. A ClinVar submission from a clinical diagnostic laboratory (evaluation after 2014) cites the variant as "likely pathogenic." Based on the evidence outlined above, the variant was classified as pathogenic.

Illumina Laboratory Services, Illumina
Classification: Likely pathogenic for Tay-Sachs disease. Last evaluated: 2017-09-08. Review status: criteria provided, single submitter. Criteria: ICSL Variant Classification Criteria 09 May 2019. Collection method: clinical testing. Allele origin: germline.
Comment: The HEXA c.986+3A>G splice region variant has been reported in at least four studies in which it is found in a total of three patients in a compound heterozygous state and in a heterozygous state in one obligate carrier (Richard et al. 1995; Akerman et al. 1997; Giraud et al. 2010; Saunders et al. 2012). One compound heterozygote presented with the late-infantile onset form of Tay-Sachs disease while another compound heterozygote had onset in adulthood. Control data are unavailable for this variant which is reported at a frequency of 0.000025 in the total population from the Exome Aggregation Consortium. In one study, exons 7 to 9 of the c.986+3A>G variant HEXA were amplified and the resulting mRNA product was shown to be lacking exon 8, suggesting this variant affects splicing (Richard et al. 1995). Based on the evidence, the c.986+3A>G variant is classified as likely pathogenic for hexoaminidase A deficiency. This variant was observed by ICSL as part of a predisposition screen in an ostensibly healthy population.

HudsonAlpha Institute for Biotechnology
Classification: Pathogenic for Tay-Sachs disease. Last evaluated: 2016-10-13. Review status: criteria provided, single submitter. Criteria: HA_assertions_20150911. Collection method: research. Allele origin: unknown, maternal. Observed: 2 variant alleles. Study: CSER-HudsonAlpha.

PreventionGenetics, part of Exact Sciences
Classification: Likely pathogenic for HEXA-related condition. Last evaluated: 2024-03-06. Review status: no assertion criteria provided. Collection method: clinical testing. Allele origin: germline. Not counted in ClinVar's aggregate classification.
Comment: The HEXA c.986+3A>G variant is predicted to interfere with splicing. This variant has been reported in individuals with Tay-Sachs disease (Richard et al. 1995. PubMed ID: 7551830; Table 2, Akerman et al. 1997. PubMed ID: 9150157; Table 1, Giraud et al. 2010. PubMed ID: 20100466; Saunders et al. 2012. PubMed ID: 23035047). Splicing assays also reveal this variant results in exclusion of exon 8 (Richard et al. 1995. PubMed ID: 7551830). This variant is reported in 0.012% of alleles in individuals of African descent in gnomAD. This variant is interpreted as likely pathogenic.

Counsyl
Classification: Likely pathogenic for Tay-Sachs disease. Last evaluated: 2014-08-21. Review status: no assertion criteria provided. Collection method: literature only. Allele origin: unknown. Inheritance: Autosomal recessive inheritance. Not counted in ClinVar's aggregate classification.

Literature cited by the submitters: PubMed 37597066 (cited by Natera, Inc.); PubMed 33547378 (cited by Natera, Inc.); PubMed 7551830 (cited by 7 submitters); PubMed 20100466 (cited by 4 submitters); PubMed 23035047 (cited by 6 submitters); PubMed 24518553 (cited by 4 submitters); PubMed 17576681 (cited by Labcorp Genetics (formerly Invitae), Labcorp); PubMed 9536098 (cited by Labcorp Genetics (formerly Invitae), Labcorp); PubMed 9150157 (cited by Women's Health and Genetics/Laboratory Corporation of America, LabCorp and Illumina Laboratory Services, Illumina).